The following is an entry in ClinVar:

NM_182961.4(SYNE1):c.23102C>T (p.Pro7701Leu)

Gene: SYNE1 (spectrin repeat containing nuclear envelope protein 1; minus strand). Cytogenetic location: 6q25.2.
Variant type: single nucleotide variant.
Coding change: c.23102C>T on transcript NM_182961.4 (MANE Select); coding-DNA position 23102, C replaced by T.
Protein change: p.Pro7701Leu; replaces proline 7701 with leucine.
Molecular consequence: missense variant.
Genome position (GRCh38, 1-based): chr6:152,201,867, G>A on the plus strand (C>T on the coding strand, the complement: SYNE1 is on the minus strand). VCF-style: chr6-152201867-G-A. GRCh37 (hg19) VCF-style: chr6-152523002-G-A.
Other names: c.22889C>T, p.Pro7630Leu (NM_033071.5); short protein forms P7701L, P7630L.
Identifiers: ClinVar variation 638936 (VCV000638936.4), dbSNP rs780201995, ClinGen allele CA4053693.

ClinVar aggregate classification (germline): Uncertain significance (1 of 4 stars; one submission).

Conditions:
Autosomal recessive ataxia, Beauce type. Also called: Spinocerebellar ataxia, autosomal recessive 8; ATAXIA, RECESSIVE, OF BEAUCE; SYNE1 Deficiency; SYNE1-Related Autosomal Recessive Cerebellar Ataxia. Identifiers: Orphanet 88644, MedGen C1853116, MONDO:0012549, OMIM 610743.
Emery-Dreifuss muscular dystrophy 4, autosomal dominant (EDMD4). Also called: EMERY-DREIFUSS MUSCULAR DYSTROPHY 4 WITH VARIABLE FEATURES. Identifiers: Orphanet 261, MedGen C2751807, MONDO:0013071, OMIM 612998.

Allele frequency attached by ClinVar (database versions not stated): gnomAD 0.00002 and 0.00003; TOPMed 0.00002; ExAC 0.00003.
gnomAD v4.1: 63 of 1,613,768 alleles (0.0039%); highest among the groups gnomAD compares: East Asian, 0.016%; no homozygotes.

Submission:

Labcorp Genetics (formerly Invitae), Labcorp
Classification: Uncertain significance for Emery-Dreifuss muscular dystrophy 4, autosomal dominant; Autosomal recessive ataxia, Beauce type. Last evaluated: 2021-12-15. Review status: criteria provided, single submitter. Criteria: Invitae Variant Classification Sherloc (09022015). Collection method: clinical testing. Allele origin: germline.
Comment: This sequence change replaces proline, which is neutral and non-polar, with leucine, which is neutral and non-polar, at codon 7630 of the SYNE1 protein (p.Pro7630Leu). This variant is present in population databases (rs780201995, gnomAD 0.01%). This variant has not been reported in the literature in individuals affected with SYNE1-related conditions. ClinVar contains an entry for this variant (Variation ID: 638936). Algorithms developed to predict the effect of missense changes on protein structure and function (SIFT, PolyPhen-2, Align-GVGD) all suggest that this variant is likely to be disruptive. In summary, the available evidence is currently insufficient to determine the role of this variant in disease. Therefore, it has been classified as a Variant of Uncertain Significance.